The following is an entry in ClinVar:

NM_004958.4(MTOR):c.5437_5439del (p.Glu1813del)

Gene: MTOR (mechanistic target of rapamycin kinase; minus strand). Cytogenetic location: 1p36.22.
Variant type: Deletion.
Coding change: c.5437_5439del on transcript NM_004958.4 (MANE Select); coding-DNA positions 5437 to 5439, 3 bases deleted (GAG; older notation c.5437_5439delGAG).
Protein change: p.Glu1813del; deletes glutamic acid 1813.
Molecular consequence: inframe deletion.
Genome position (GRCh38, 1-based): chr1:11,130,703-11,130,705, CTC deleted on the plus strand (GAG on the coding strand, the reverse complement: MTOR is on the minus strand). VCF-style (leftmost placement, unchanged base first): chr1-11130702-TCTC-T. GRCh37 (hg19) VCF-style: chr1-11190759-TCTC-T.
Other names: short protein forms E1813del.
Identifiers: ClinVar variation 1025762 (VCV001025762.9), dbSNP rs1643104340, ClinGen allele CA1153543682.

ClinVar aggregate classification (germline): Uncertain significance (1 of 4 stars; one submission).

Allele frequency attached by ClinVar (database versions not stated): gnomAD exomes below 0.00001.

Submission:

Labcorp Genetics (formerly Invitae), Labcorp
Classification: Uncertain significance. Last evaluated: 2024-10-23. Review status: criteria provided, single submitter. Criteria: Invitae Variant Classification Sherloc (09022015). Collection method: clinical testing. Allele origin: germline.
Comment: This variant, c.5437_5439del, results in the deletion of 1 amino acid(s) of the MTOR protein (p.Glu1813del), but otherwise preserves the integrity of the reading frame. This variant is not present in population databases (gnomAD no frequency). This variant has not been reported in the literature in individuals affected with MTOR-related conditions. ClinVar contains an entry for this variant (Variation ID: 1025762). Experimental studies and prediction algorithms are not available or were not evaluated, and the functional significance of this variant is currently unknown. In summary, the available evidence is currently insufficient to determine the role of this variant in disease. Therefore, it has been classified as a Variant of Uncertain Significance.